The following is an entry in ClinVar:

NM_002474.3(MYH11):c.2850G>A (p.Gln950=)

Gene: MYH11 (myosin heavy chain 11; minus strand). Cytogenetic location: 16p13.11.
Variant type: single nucleotide variant.
Coding change: c.2850G>A on transcript NM_002474.3 (MANE Select); coding-DNA position 2850, G replaced by A.
Protein change: p.Gln950=; no amino-acid change (glutamine 950 retained).
Molecular consequence: synonymous variant.
Genome position (GRCh38, 1-based): chr16:15,741,472, C>T on the plus strand (G>A on the coding strand, the complement: MYH11 is on the minus strand). VCF-style: chr16-15741472-C-T. GRCh37 (hg19) VCF-style: chr16-15835329-C-T.
Other names: c.2871G>A, p.Gln957= (NM_001040113.2, NM_001040114.2); c.2850G>A, p.Gln950= (NM_022844.3).
Identifiers: ClinVar variation 629495 (VCV000629495.20), dbSNP rs764706995, ClinGen allele CA7922166.

ClinVar aggregate classification (germline): Likely benign. Review status: criteria provided, multiple submitters, no conflicts (2 of 4 stars). 7 submissions from 7 submitters: Likely benign (6). 1 of the submissions does not count toward it. Last evaluated 2026-01-04.

Conditions:
Aortic aneurysm, familial thoracic 4 (AAT4). Also called: AORTIC ANEURYSM/AORTIC DISSECTION AND PATENT DUCTUS ARTERIOSUS. Identifiers: MedGen C1851504, MONDO:0007568, OMIM 132900.
MYH11-related disorder. Also called: MYH11-related condition.
Familial thoracic aortic aneurysm and aortic dissection (TAAD). Also called: Thoracic aortic aneurysms and dissections. Identifiers: Orphanet 91387, MedGen C4707243, MONDO:0019625.

Allele frequency attached by ClinVar (database versions not stated): gnomAD exomes 0.00002 and 0.00004; ExAC 0.00003; gnomAD 0.00017 and 0.00018; TOPMed 0.00042.
gnomAD v4.1: 69 of 1,607,882 alleles (0.0043%); highest among the groups gnomAD compares: Admixed American, 0.063%; no homozygotes.

Submissions (7):

Labcorp Genetics (formerly Invitae), Labcorp
Classification: Likely benign for Aortic aneurysm, familial thoracic 4. Last evaluated: 2026-01-04. Review status: criteria provided, single submitter. Criteria: Invitae Variant Classification Sherloc (09022015). Collection method: clinical testing. Allele origin: germline.

Women's Health and Genetics/Laboratory Corporation of America, LabCorp
Classification: Likely benign. Last evaluated: 2025-05-12. Review status: criteria provided, single submitter. Criteria: LabCorp Variant Classification Summary - May 2015. Collection method: clinical testing. Allele origin: germline.

All of Us Research Program, National Institutes of Health
Classification: Likely benign for Familial thoracic aortic aneurysm and aortic dissection. Last evaluated: 2024-01-11. Review status: criteria provided, single submitter. Criteria: ACMG Guidelines, 2015. Collection method: clinical testing. Allele origin: germline. Inheritance: Autosomal dominant inheritance. Observed: 20 variant alleles, 20 heterozygotes.
Comment: This study involves interpretation of variants in research participants for the purpose of population health screening. Participant phenotype was not available at the time of variant classification. Additional details can be found in publication PMID: 35346344, PMCID: PMC8962531

GeneDx
Classification: Likely benign. Last evaluated: 2020-10-19. Review status: criteria provided, single submitter. Criteria: GeneDx Variant Classification Process June 2021. Collection method: clinical testing. Allele origin: germline. Affected: yes.

Color Diagnostics, LLC DBA Color Health
Classification: Likely benign for Familial thoracic aortic aneurysm and aortic dissection. Last evaluated: 2018-10-08. Review status: criteria provided, single submitter. Criteria: ACMG Guidelines, 2015. Collection method: clinical testing. Allele origin: germline.

Ambry Genetics
Classification: Likely benign for Familial thoracic aortic aneurysm and aortic dissection. Last evaluated: 2018-08-29. Review status: criteria provided, single submitter. Criteria: Ambry Variant Classification Scheme 2023. Collection method: clinical testing. Allele origin: germline.

PreventionGenetics, part of Exact Sciences
Classification: Likely benign for MYH11-related condition. Last evaluated: 2019-10-29. Review status: no assertion criteria provided. Collection method: clinical testing. Allele origin: germline. Not counted in ClinVar's aggregate classification.
Comment: This variant is classified as likely benign based on ACMG/AMP sequence variant interpretation guidelines (Richards et al. 2015 PMID: 25741868, with internal and published modifications).